The following is an entry in ClinVar:

ClinVar aggregate classification (germline): Uncertain significance (1 of 4 stars; one submission).

gnomAD v4.1: 2 of 1,604,472 alleles (0.00012%); highest among the groups gnomAD compares: Non-Finnish European, 0.000085%; no homozygotes.

Submission:

GeneDx
Classification: Uncertain significance. Last evaluated: 2025-07-09. Review status: criteria provided, single submitter. Criteria: GeneDx Variant Classification Process June 2021. Collection method: clinical testing. Allele origin: germline. Affected: yes.
Comment: Not observed at significant frequency in large population cohorts (gnomAD); In silico analysis supports that this missense variant has a deleterious effect on protein structure/function; Has not been previously published as pathogenic or benign to our knowledge

NM_001039469.3(MARK2):c.1618C>T (p.Pro540Ser)

Gene: MARK2 (microtubule affinity regulating kinase 2; plus strand). Cytogenetic location: 11q13.1.
Variant type: single nucleotide variant.
Coding change: c.1618C>T on transcript NM_001039469.3 (MANE Select); coding-DNA position 1618, C replaced by T.
Protein change: p.Pro540Ser; replaces proline 540 with serine.
Molecular consequence: missense variant. On other transcripts: intron variant (3).
Genome position (GRCh38, 1-based): chr11:63,904,089, C>T. VCF-style: chr11-63904089-C-T. GRCh37 (hg19) VCF-style: chr11-63671561-C-T.
Other names: c.1516C>T, p.Pro506Ser (NM_017490.4); c.1515-697C>T (NM_001163296.2); c.1512-697C>T (NM_004954.5, NM_001163297.2); short protein forms P506S, P540S.
Identifiers: ClinVar variation 4686236 (VCV004686236.1).